The following is an entry in ClinVar:

NM_017662.5(TRPM6):c.580C>T (p.His194Tyr)

Gene: TRPM6 (transient receptor potential cation channel subfamily M member 6; minus strand). Cytogenetic location: 9q21.13.
Variant type: single nucleotide variant.
Coding change: c.580C>T on transcript NM_017662.5 (MANE Select); coding-DNA position 580, C replaced by T.
Protein change: p.His194Tyr; replaces histidine 194 with tyrosine.
Molecular consequence: missense variant.
Genome position (GRCh38, 1-based): chr9:74,834,087, G>A on the plus strand (C>T on the coding strand, the complement: TRPM6 is on the minus strand). VCF-style: chr9-74834087-G-A. GRCh37 (hg19) VCF-style: chr9-77449003-G-A.
Other names: c.565C>T, p.His189Tyr (NM_001177310.2, NM_001177311.2); short protein forms H189Y, H194Y.
Identifiers: ClinVar variation 2125083 (VCV002125083.4), dbSNP rs2490127545, ClinGen allele CA373695698.

ClinVar aggregate classification (germline): Uncertain significance (1 of 4 stars; one submission).

Submission:

Labcorp Genetics (formerly Invitae), Labcorp
Classification: Uncertain significance. Last evaluated: 2022-04-12. Review status: criteria provided, single submitter. Criteria: Invitae Variant Classification Sherloc (09022015). Collection method: clinical testing. Allele origin: germline.
Comment: In summary, the available evidence is currently insufficient to determine the role of this variant in disease. Therefore, it has been classified as a Variant of Uncertain Significance. Algorithms developed to predict the effect of missense changes on protein structure and function output the following: SIFT: "Tolerated"; PolyPhen-2: "Benign"; Align-GVGD: "Class C0". The tyrosine amino acid residue is found in multiple mammalian species, which suggests that this missense change does not adversely affect protein function. This variant has not been reported in the literature in individuals affected with TRPM6-related conditions. This variant is not present in population databases (gnomAD no frequency). This sequence change replaces histidine, which is basic and polar, with tyrosine, which is neutral and polar, at codon 194 of the TRPM6 protein (p.His194Tyr).